The following is an entry in ClinVar:

NM_000277.3(PAH):c.1315+20C>T

Gene: PAH (phenylalanine hydroxylase; minus strand). Cytogenetic location: 12q23.2.
Variant type: single nucleotide variant.
Coding change: c.1315+20C>T on transcript NM_000277.3 (MANE Select); 20 bases into the intron after coding-DNA position 1315, C replaced by T.
Molecular consequence: intron variant.
Genome position (GRCh38, 1-based): chr12:102,840,380, G>A on the plus strand (C>T on the coding strand, the complement: PAH is on the minus strand). VCF-style: chr12-102840380-G-A. GRCh37 (hg19) VCF-style: chr12-103234158-G-A.
Other names: c.1315+20C>T (NM_001354304.2).
Identifiers: ClinVar variation 1599862 (VCV001599862.11), dbSNP rs190655222, ClinGen allele CA6748698.

ClinVar aggregate classification (germline): Benign/Likely benign. Review status: criteria provided, multiple submitters, no conflicts (2 of 4 stars). 4 submissions from 4 submitters: Benign (2); Likely benign (2). Last evaluated 2026-02-04.

Conditions:
Phenylketonuria (PKU). Also called: FOLLING DISEASE; Phenylketonurias; OLIGOPHRENIA PHENYLPYRUVICA; Phenylketonuria (PKU). Identifiers: Orphanet 716, MedGen C0031485, MONDO:0009861, OMIM 261600. Disease mechanism: loss of function.

Allele frequency attached by ClinVar (database versions not stated): 1000 Genomes Project 0.00140; ExAC 0.00063; 1000 Genomes Project 30x 0.00203; TOPMed 0.00238; gnomAD exomes 0.00050; ESP Exome Variant Server 0.00200; gnomAD 0.00231 and 0.00250.
gnomAD v4.1: 655 of 1,449,448 alleles (0.045%); highest among the groups gnomAD compares: African/African-American, 0.8%; 4 homozygotes.

Submissions (4):

Labcorp Genetics (formerly Invitae), Labcorp
Classification: Benign for Phenylketonuria. Last evaluated: 2026-02-04. Review status: criteria provided, single submitter. Criteria: Invitae Variant Classification Sherloc (09022015). Collection method: clinical testing. Allele origin: germline.

Blueprint Genetics
Classification: Likely benign. Last evaluated: 2024-10-22. Review status: criteria provided, single submitter. Criteria: ACMG Guidelines, 2015. Collection method: clinical testing. Allele origin: germline.

Women's Health and Genetics/Laboratory Corporation of America, LabCorp
Classification: Likely benign. Last evaluated: 2022-07-05. Review status: criteria provided, single submitter. Criteria: LabCorp Variant Classification Summary - May 2015. Collection method: clinical testing. Allele origin: germline.
Comment: Variant summary: PAH c.1315+20C>T alters a non-conserved nucleotide located close to a canonical splice site and therefore could affect mRNA splicing, leading to a significantly altered protein sequence. 4/4 computational tools predict no significant impact on normal splicing. However, these predictions have yet to be confirmed by functional studies. The variant allele was found at a frequency of 0.0005 in 251320 control chromosomes. This frequency is not significantly higher than expected for a pathogenic variant in PAH causing Phenylalanine Hydroxylase Deficiency (Phenylketonuria) (0.0005 vs 0.0079), allowing no conclusion about variant significance. To our knowledge, no occurrence of c.1315+20C>T in individuals affected with Phenylalanine Hydroxylase Deficiency (Phenylketonuria) and no experimental evidence demonstrating its impact on protein function have been reported. One clinical diagnostic laboratory has submitted clinical-significance assessments for this variant to ClinVar after 2014 without evidence for independent evaluation. One laboratory classified the variant as benign. Based on the evidence outlined above, the variant was classified as likely benign.

Breakthrough Genomics
Classification: Benign. Review status: criteria provided, single submitter. Criteria: ACMG Guidelines, 2015. Collection method: not provided. Allele origin: germline. Inheritance: Autosomal recessive inheritance. Affected: yes.